The following is an entry in ClinVar:

NM_000051.4(ATM):c.7345G>A (p.Glu2449Lys)

Genes: ATM (ATM serine/threonine kinase; plus strand), C11orf65 (chromosome 11 open reading frame 65; minus strand). Cytogenetic location: 11q22.3.
Variant type: single nucleotide variant.
Coding change: c.7345G>A on transcript NM_000051.4 (MANE Select); coding-DNA position 7345, G replaced by A.
Protein change: p.Glu2449Lys; replaces glutamic acid 2449 with lysine.
Molecular consequence: missense variant. On other transcripts: intron variant (2).
Genome position (GRCh38, 1-based): chr11:108,330,251, G>A. VCF-style: chr11-108330251-G-A. GRCh37 (hg19) VCF-style: chr11-108200978-G-A.
Other names: c.7345G>A, p.Glu2449Lys (NM_001351834.2); c.641-21180C>T (NM_001330368.2); c.*38+4969C>T (NM_001351110.2); short protein forms E2449K.
Identifiers: ClinVar variation 1758424 (VCV001758424.3), dbSNP rs2136454078, ClinGen allele CA382559931.

ClinVar aggregate classification (germline): Uncertain significance (1 of 4 stars; one submission).

Conditions:
Hereditary cancer-predisposing syndrome. Also called: Hereditary neoplastic syndrome; Neoplastic Syndromes, Hereditary; Tumor predisposition; Hereditary Cancer Syndrome. Identifiers: Orphanet 140162, MedGen C0027672, MeSH D009386, MONDO:0015356.

Allele frequency attached by ClinVar (database versions not stated): gnomAD exomes below 0.00001.
gnomAD v4.1: 1 of 1,614,190 alleles (0.000062%); highest among the groups gnomAD compares: Non-Finnish European, 0.000085%; no homozygotes.

Submission:

Ambry Genetics
Classification: Uncertain significance for Hereditary cancer-predisposing syndrome. Last evaluated: 2024-09-30. Review status: criteria provided, single submitter. Criteria: Ambry Variant Classification Scheme 2023. Collection method: clinical testing. Allele origin: germline.
Comment: The p.E2449K variant (also known as c.7345G>A), located in coding exon 49 of the ATM gene, results from a G to A substitution at nucleotide position 7345. The glutamic acid at codon 2449 is replaced by lysine, an amino acid with similar properties. This amino acid position is well conserved in available vertebrate species. In addition, the in silico prediction for this alteration is inconclusive. Based on the available evidence, the clinical significance of this variant remains unclear.